The following is an entry in ClinVar:

ClinVar aggregate classification (germline): Pathogenic (1 of 4 stars; one submission).

Conditions:
Familial cancer of breast. Also called: Hereditary breast cancer; BREAST CANCER, FAMILIAL; hereditary breast carcinoma. Identifiers: Orphanet 227535, MedGen C0346153, MONDO:0016419, OMIM 114480. Disease mechanism: loss of function.

Submission:

Myriad Genetics, Inc.
Classification: Pathogenic for Familial cancer of breast. Last evaluated: 2023-06-23. Review status: criteria provided, single submitter. Criteria: Myriad Autosomal Dominant, Autosomal Recessive and X-Linked Classification Criteria (2023). Collection method: clinical testing. Allele origin: unknown.
Comment: This variant is considered pathogenic. This variant creates a frameshift predicted to result in premature protein truncation.

NM_007194.4(CHEK2):c.397dup (p.Thr133fs)

Gene: CHEK2 (checkpoint kinase 2; minus strand). Cytogenetic location: 22q12.1.
Variant type: Duplication.
Coding change: c.397dup on transcript NM_007194.4 (MANE Select); coding-DNA position 397, one base duplicated (A; older notation c.397dupA).
Protein change: p.Thr133fs; shifts the reading frame from threonine 133.
Molecular consequence: frameshift variant.
Genome position (GRCh38, 1-based): chr22:28,725,290, T duplicated on the plus strand (A on the coding strand, the reverse complement: CHEK2 is on the minus strand); the first of 2 consecutive T bases (chr22:28,725,290-28,725,291); duplicating either gives the same sequence. VCF-style (leftmost placement, unchanged base first): chr22-28725289-G-GT. GRCh37 (hg19) VCF-style: chr22-29121277-G-GT.
Other names: c.525dup, p.Thr176Asnfs (NM_001005735.3); c.-382dup (NM_001257387.3); c.396dup, p.Thr133Asnfs (NM_001349956.3, NM_145862.3); short protein forms T133fs, T176fs.
Identifiers: ClinVar variation 2583516 (VCV002583516.2), dbSNP rs2053960596, ClinGen allele CA2582342801.
Genomic context (GRCh38, chr22:28,725,289, plus strand): 5'-TATTCATTACCTACCCTGAAAATCCGAAAGTGTTTCTTGCTGTATGTTCGGTATTTATCT[G>GT]TTCTTTTCAGCAGTGGTTCATCAAAGCAATATTCACAGCTTTTGTCCCTCCCAAACCAGT-3'